The following is an entry in ClinVar:

ClinVar aggregate classification (germline): Conflicting classifications of pathogenicity. Review status: criteria provided, conflicting classifications (1 of 4 stars). 4 submissions from 4 submitters: Likely pathogenic (3); Uncertain significance (1). Last evaluated 2026-05-25.

Conditions:
Autosomal recessive limb-girdle muscular dystrophy type 2J (LGMDR10). Also called: Limb-girdle muscular dystrophy, type 2J; MUSCULAR DYSTROPHY, LIMB-GIRDLE, AUTOSOMAL RECESSIVE 10. Identifiers: Orphanet 140922, MedGen C1837342, MONDO:0012127, OMIM 608807.
Dilated cardiomyopathy 1G (CMD1G). Identifiers: Orphanet 154, MedGen C1858763, MONDO:0011400, OMIM 604145.
Autosomal recessive titinopathy. Identifiers: MedGen CN315649, MONDO:0100493.
TTN-related disorder. Also called: TTN-related disorders; TTN-related condition; TTN-related disease.

gnomAD v4.1: 4 of 1,613,480 alleles (0.00025%); highest among the groups gnomAD compares: Admixed American, 0.0017%; no homozygotes.

Submissions (4):

PreventionGenetics, part of Exact Sciences
Classification: Likely pathogenic for TTN-related condition. Last evaluated: 2026-05-25. Review status: criteria provided, single submitter. Criteria: ACMG Guidelines, 2015. Collection method: clinical testing. Allele origin: germline.
Comment: The TTN c.17461+1G>A variant is predicted to disrupt the GT donor site and interfere with normal splicing. To our knowledge, this variant has not been reported in the literature or in a large population database (gnomAD), indicating this variant is rare. This variant affects the canonical splice donor site of an exon located in the I-band region of the TTN protein. RNAseq studies from heart tissue indicate this exon is not commonly included in TTN mRNA transcripts (PSI of 20%, Roberts et al. 2015. PubMed ID: 25589632). TTN loss-of-function variants occurring in non-constitutively expressed exons (PSI < 90%) are less likely to be disease causing for TTN cardiac-related disorders (Roberts et al. 2015. PubMed ID: 25589632; Schafer et al. 2017. PubMed ID: 27869827; Akhtar et al. 2020. PubMed ID: 32964742). Many cases of recessive TTN-related myopathies in which the individual is compound heterozygous for two loss-of-function variants in TTN have also been reported (Oates et al. 2018. PubMed ID: 29691892; Ge et al. 2019. PubMed ID: 31053406; Rees et al. 2021. PubMed ID: 33449170). In summary, this variant is likely pathogenic for autosomal recessive TTN-related congenital titinopathies. However, it is uncertain if this variant would be causative for autosomal dominant TTN-related disorders.

Women's Health and Genetics/Laboratory Corporation of America, LabCorp
Classification: Likely pathogenic for Autosomal recessive titinopathy. Last evaluated: 2025-06-04. Review status: criteria provided, single submitter. Criteria: LabCorp Variant Classification Summary - May 2015. Collection method: clinical testing. Allele origin: germline.
Comment: Variant summary: TTN c.13729+1G>A is located in a canonical splice-site and is predicted to affect mRNA splicing resulting in a significantly altered protein due to either exon skipping, shortening, or inclusion of intronic material. Variants that disrupt the consensus splice site are a relatively common cause of aberrant splicing and loss of TTN function. Loss of function variants in all TTN bands are strongly associated with a spectrum of autosomal recessive titinopathies when exon expression (proportion spliced in, PSI, 1=complete expression) in skeletal muscle is >0.1 (PMID: 36977548, 39198997, 29598826, 32778822, 29691892, 33449170, 36977548, internal data). In contrast, loss of function variants in all TTN bands are only strongly associated with autosomal dominant TTN-related cardiomyopathies if located in exons constitutively expressed (PSI >0.9) in cardiac muscle, excluding extreme C-terminal exons 359-363 (PMID: 25589632, 31216868, 32964742, 34662387, 27869827, Shetty et al., Nat Cardiovasc Res 2024,, internal data). This variant has a maximum skeletal muscle PSI of 0.966 and a maximum cardiac muscle PSI of 0.248. Several computational tools predict a significant impact on normal splicing: Three predict the variant abolishes a 5' splicing donor site. One predict the variant weakens a 5' donor site. However, these predictions have yet to be confirmed by functional studies. The variant was absent in 248656 control chromosomes. To our knowledge, no occurrence of c.13729+1G>A in individuals affected with Autosomal Recessive Titinopathy and no experimental evidence demonstrating its impact on protein function have been reported. ClinVar contains an entry for this variant (Variation ID: 2068927). Based on the evidence outlined above, the variant was classified as likely pathogenic.

Labcorp Genetics (formerly Invitae), Labcorp
Classification: Likely pathogenic for Dilated cardiomyopathy 1G; Autosomal recessive limb-girdle muscular dystrophy type 2J. Last evaluated: 2025-02-23. Review status: criteria provided, single submitter. Criteria: Invitae Variant Classification Sherloc (09022015). Collection method: clinical testing. Allele origin: germline.
Comment: This sequence change affects a donor splice site in intron 59 of the TTN gene. It is expected to disrupt RNA splicing and likely results in a truncated or disrupted TTN protein. This variant is not present in population databases (gnomAD no frequency). This variant has not been reported in the literature in individuals affected with TTN-related conditions. ClinVar contains an entry for this variant (Variation ID: 2068927). Algorithms developed to predict the effect of sequence changes on RNA splicing suggest that this variant may disrupt the consensus splice site. This variant is located in the I band of TTN (PMID: 25589632). Truncating variants in this region have been reported in individuals affected with autosomal recessive centronuclear myopathy (PMID: 23975875, internal data). Truncating variants in this region have also been identified in individuals affected with autosomal dominant dilated cardiomyopathy and/or cardio-related conditions (PMID: 27869827, 32964742, internal data). In summary, the currently available evidence indicates that the variant is pathogenic, but additional data are needed to prove that conclusively. Therefore, this variant has been classified as Likely Pathogenic.

Revvity Omics, Revvity
Classification: Uncertain significance. Last evaluated: 2020-09-19. Review status: criteria provided, single submitter. Criteria: ACMG Guidelines, 2015. Collection method: clinical testing. Allele origin: germline.

Literature cited by the submitters: PubMed 25589632 (cited by Labcorp Genetics (formerly Invitae), Labcorp); PubMed 23975875 (cited by Labcorp Genetics (formerly Invitae), Labcorp); PubMed 27869827 (cited by Labcorp Genetics (formerly Invitae), Labcorp); PubMed 32964742 (cited by Labcorp Genetics (formerly Invitae), Labcorp).

NM_001267550.2(TTN):c.17461+1G>A

Genes: TTN (titin; minus strand), LOC126806431 (CDK7 strongly-dependent group 2 enhancer GRCh37_chr2:179595719-179596918; plus strand). Cytogenetic location: 2q31.2.
Variant type: single nucleotide variant.
Coding change: c.17461+1G>A on transcript NM_001267550.2 (MANE Select); the canonical splice donor site of the intron after coding-DNA position 17461, G replaced by A.
Molecular consequence: splice donor variant. On other transcripts: intron variant (3).
Genome position (GRCh38, 1-based): chr2:178,731,304, C>T on the plus strand (G>A on the coding strand, the complement: TTN is on the minus strand). VCF-style: chr2-178731304-C-T. GRCh37 (hg19) VCF-style: chr2-179596031-C-T.
Other names: c.13282+6778G>A (NM_003319.4); c.13858+6778G>A (NM_133437.4); c.13657+6778G>A (NM_133432.3); c.13729+1G>A (NM_133378.4); c.16510+1G>A (NM_001256850.1).
Identifiers: ClinVar variation 2068927 (VCV002068927.9), dbSNP rs747990127, ClinGen allele CA349572713.